The following is an entry in ClinVar:

NM_002890.3(RASA1):c.2142G>T (p.Met714Ile)

Genes: CCNH (cyclin H; minus strand), RASA1 (RAS p21 protein activator 1; plus strand). Cytogenetic location: 5q14.3.
Variant type: single nucleotide variant.
Coding change: c.2142G>T on transcript NM_002890.3 (MANE Select); coding-DNA position 2142, G replaced by T.
Protein change: p.Met714Ile; replaces methionine 714 with isoleucine.
Molecular consequence: missense variant. On other transcripts: intron variant (1).
Genome position (GRCh38, 1-based): chr5:87,376,523, G>T. VCF-style: chr5-87376523-G-T. GRCh37 (hg19) VCF-style: chr5-86672340-G-T.
Other names: c.1611G>T, p.Met537Ile (NM_022650.3); c.933+18521C>A (NM_001364075.2); short protein forms M537I, M714I.
Identifiers: ClinVar variation 4724946 (VCV004724946.1).

ClinVar aggregate classification (germline): Uncertain significance (1 of 4 stars; one submission).

Conditions:
Capillary malformation-arteriovenous malformation syndrome. Also called: Capillary malformation-arteriovenous malformation. Identifiers: Orphanet 137667, MedGen C1842180, MONDO:0012016.

gnomAD v4.1: 1 of 1,613,902 alleles (0.000062%); highest among the groups gnomAD compares: Non-Finnish European, 0.000085%; no homozygotes.

Submission:

Labcorp Genetics (formerly Invitae), Labcorp
Classification: Uncertain significance for Capillary malformation-arteriovenous malformation syndrome. Last evaluated: 2025-08-10. Review status: criteria provided, single submitter. Criteria: Invitae Variant Classification Sherloc (09022015). Collection method: clinical testing. Allele origin: germline.
Comment: This sequence change replaces methionine, which is neutral and non-polar, with isoleucine, which is neutral and non-polar, at codon 714 of the RASA1 protein (p.Met714Ile). This variant is not present in population databases (gnomAD no frequency). This variant has not been reported in the literature in individuals affected with RASA1-related conditions. An algorithm developed to predict the effect of missense changes on protein structure and function (PolyPhen-2) suggests that this variant is likely to be tolerated. In summary, the available evidence is currently insufficient to determine the role of this variant in disease. Therefore, it has been classified as a Variant of Uncertain Significance.